The following is an entry in ClinVar:

ClinVar aggregate classification (germline): Uncertain significance (1 of 4 stars; one submission).

Allele frequency attached by ClinVar (database versions not stated): gnomAD exomes below 0.00001; TOPMed 0.00001; gnomAD 0.00002 and 0.00003.
gnomAD v4.1: 6 of 1,586,532 alleles (0.00038%); highest among the groups gnomAD compares: African/African-American, 0.0081%; no homozygotes.

Submission:

Labcorp Genetics (formerly Invitae), Labcorp
Classification: Uncertain significance. Last evaluated: 2023-08-04. Review status: criteria provided, single submitter. Criteria: Invitae Variant Classification Sherloc (09022015). Collection method: clinical testing. Allele origin: germline.
Comment: This variant has not been reported in the literature in individuals affected with PCARE-related conditions. This variant is present in population databases (no rsID available, gnomAD 0.02%). This sequence change replaces proline, which is neutral and non-polar, with arginine, which is basic and polar, at codon 1071 of the PCARE protein (p.Pro1071Arg). ClinVar contains an entry for this variant (Variation ID: 1040321). In summary, the available evidence is currently insufficient to determine the role of this variant in disease. Therefore, it has been classified as a Variant of Uncertain Significance. An algorithm developed to predict the effect of missense changes on protein structure and function (PolyPhen-2) suggests that this variant is likely to be tolerated.

NM_001029883.3(PCARE):c.3212C>G (p.Pro1071Arg)

Gene: PCARE (photoreceptor cilium actin regulator; minus strand). Cytogenetic location: 2p23.2.
Variant type: single nucleotide variant.
Coding change: c.3212C>G on transcript NM_001029883.3 (MANE Select); coding-DNA position 3212, C replaced by G.
Protein change: p.Pro1071Arg; replaces proline 1071 with arginine.
Molecular consequence: missense variant.
Genome position (GRCh38, 1-based): chr2:29,071,050, G>C on the plus strand (C>G on the coding strand, the complement: PCARE is on the minus strand). VCF-style: chr2-29071050-G-C. GRCh37 (hg19) VCF-style: chr2-29293916-G-C.
Other names: short protein forms P1071R.
Identifiers: ClinVar variation 1040321 (VCV001040321.6), dbSNP rs1440001545, ClinGen allele CA346475585.